The following is an entry in ClinVar:

ClinVar aggregate classification (germline): Uncertain significance (1 of 4 stars; one submission).

Conditions:
Dystonia 12 (DYT12). Also called: Rapid-Onset Dystonia-Parkinsonism (RDP); DYT-ATP1A3. Identifiers: Orphanet 71517, MedGen C1868681, MONDO:0007496, OMIM 128235.

Submission:

Labcorp Genetics (formerly Invitae), Labcorp
Classification: Uncertain significance for Dystonia 12. Last evaluated: 2021-08-11. Review status: criteria provided, single submitter. Criteria: Invitae Variant Classification Sherloc (09022015). Collection method: clinical testing. Allele origin: germline.
Comment: This variant is not present in population databases (ExAC no frequency). In summary, the available evidence is currently insufficient to determine the role of this variant in disease. Therefore, it has been classified as a Variant of Uncertain Significance. Advanced modeling of protein sequence and biophysical properties (such as structural, functional, and spatial information, amino acid conservation, physicochemical variation, residue mobility, and thermodynamic stability) performed at Invitae indicates that this missense variant is expected to disrupt ATP1A3 protein function. This variant has not been reported in the literature in individuals affected with ATP1A3-related conditions. This sequence change replaces valine with phenylalanine at codon 679 of the ATP1A3 protein (p.Val679Phe). The valine residue is highly conserved and there is a small physicochemical difference between valine and phenylalanine.

NM_152296.5(ATP1A3):c.2035G>T (p.Val679Phe)

Gene: ATP1A3 (ATPase Na+/K+ transporting subunit alpha 3; minus strand). Cytogenetic location: 19q13.2.
Variant type: single nucleotide variant.
Coding change: c.2035G>T on transcript NM_152296.5 (MANE Select); coding-DNA position 2035, G replaced by T.
Protein change: p.Val679Phe; replaces valine 679 with phenylalanine.
Molecular consequence: missense variant.
Genome position (GRCh38, 1-based): chr19:41,976,475, C>A on the plus strand (G>T on the coding strand, the complement: ATP1A3 is on the minus strand). VCF-style: chr19-41976475-C-A. GRCh37 (hg19) VCF-style: chr19-42480627-C-A.
Other names: c.2068G>T, p.Val690Phe (NM_001256213.2); c.2074G>T, p.Val692Phe (NM_001256214.2); short protein forms V679F, V690F, V692F.
Identifiers: ClinVar variation 1466858 (VCV001466858.6), dbSNP rs781854249, ClinGen allele CA406042939.